The following is an entry in ClinVar:

NM_002474.3(MYH11):c.5206G>A (p.Ala1736Thr)

Genes: MYH11 (myosin heavy chain 11; minus strand), NDE1 (nudE neurodevelopment protein 1; plus strand). Cytogenetic location: 16p13.11.
Variant type: single nucleotide variant.
Coding change: c.5206G>A on transcript NM_002474.3 (MANE Select); coding-DNA position 5206, G replaced by A.
Protein change: p.Ala1736Thr; replaces alanine 1736 with threonine.
Molecular consequence: missense variant. On other transcripts: intron variant (2).
Genome position (GRCh38, 1-based): chr16:15,718,404, C>T on the plus strand (G>A on the coding strand, the complement: MYH11 is on the minus strand). VCF-style: chr16-15718404-C-T. GRCh37 (hg19) VCF-style: chr16-15812261-C-T.
Other names: c.5227G>A, p.Ala1743Thr (NM_001040113.2, NM_001040114.2); c.5206G>A, p.Ala1736Thr (NM_022844.3); c.948-5787C>T (NM_001143979.2, NM_017668.3); short protein forms A1743T, A1736T.
Identifiers: ClinVar variation 2773795 (VCV002773795.2), dbSNP rs2506095102, ClinGen allele CA394850219.
Genomic context (GRCh38, chr16:15,718,404, plus strand): 5'-TCATGGCCTCCATGTTGCCCTGCTCCTCCTCCAGCTCCTCCTCCAGCTGGGCGATCCGGG[C>T]CTCCAGGCGGCGCTTCTCGTCCTGGAGTGCGTTCCTGGGGGAAGGGCGGCCATGGTGGGG-3'
Protein context (NP_002465.1, residues 1726-1746): ALQDEKRRLE[Ala1736Thr]RIAQLEEELE

ClinVar aggregate classification (germline): Uncertain significance (1 of 4 stars; one submission).

Conditions:
Familial thoracic aortic aneurysm and aortic dissection (TAAD). Also called: Thoracic aortic aneurysms and dissections. Identifiers: Orphanet 91387, MedGen C4707243, MONDO:0019625.

Submission:

Color Diagnostics, LLC DBA Color Health
Classification: Uncertain significance for Familial thoracic aortic aneurysm and aortic dissection. Last evaluated: 2024-03-06. Review status: criteria provided, single submitter. Criteria: ACMG Guidelines, 2015. Collection method: clinical testing. Allele origin: germline.
Comment: This missense variant replaces alanine with threonine at codon 1743 of the MYH11 protein. Computational prediction is inconclusive regarding the impact of this variant on protein structure and function (internally defined REVEL score threshold 0.5 < inconclusive < 0.7, PMID: 27666373). To our knowledge, functional studies have not been reported for this variant. This variant has not been reported in individuals affected with cardiovascular disorders in the literature. This variant has not been identified in the general population by the Genome Aggregation Database (gnomAD). The available evidence is insufficient to determine the role of this variant in disease conclusively. Therefore, this variant is classified as a Variant of Uncertain Significance.